The following is an entry in ClinVar:

ClinVar aggregate classification (germline): Likely benign (0 of 4 stars; one submission).

Conditions:
CDH15-related disorder. Also called: CDH15-related condition.

Allele frequency attached by ClinVar (database versions not stated): gnomAD 0.00001; gnomAD exomes 0.00001; TOPMed 0.00001.
gnomAD v4.1: 16 of 1,598,220 alleles (0.001%); highest among the groups gnomAD compares: Non-Finnish European, 0.0014%; no homozygotes.

Submission:

PreventionGenetics, part of Exact Sciences
Classification: Likely benign for CDH15-related condition. Last evaluated: 2019-03-06. Review status: no assertion criteria provided. Collection method: clinical testing. Allele origin: germline.
Comment: This variant is classified as likely benign based on ACMG/AMP sequence variant interpretation guidelines (Richards et al. 2015 PMID: 25741868, with internal and published modifications).

NM_004933.3(CDH15):c.2152-9T>C

Gene: CDH15 (cadherin 15; plus strand). Cytogenetic location: 16q24.3.
Variant type: single nucleotide variant.
Coding change: c.2152-9T>C on transcript NM_004933.3 (MANE Select); 9 bases into the intron before coding-DNA position 2152, T replaced by C.
Molecular consequence: intron variant.
Genome position (GRCh38, 1-based): chr16:89,194,853, T>C. VCF-style: chr16-89194853-T-C. GRCh37 (hg19) VCF-style: chr16-89261261-T-C.
Identifiers: ClinVar variation 3047872 (VCV003047872.2), dbSNP rs913394835, ClinGen allele CA286502478.